The following is an entry in ClinVar:

ClinVar aggregate classification (germline): Uncertain significance (1 of 4 stars; one submission).

Allele frequency attached by ClinVar (database versions not stated): gnomAD 0.00001; TOPMed 0.00001.
gnomAD v4.1: 2 of 1,613,946 alleles (0.00012%); highest among the groups gnomAD compares: African/African-American, 0.0013%; no homozygotes.

Submission:

Labcorp Genetics (formerly Invitae), Labcorp
Classification: Uncertain significance. Last evaluated: 2023-01-15. Review status: criteria provided, single submitter. Criteria: Invitae Variant Classification Sherloc (09022015). Collection method: clinical testing. Allele origin: germline.
Comment: This sequence change replaces threonine, which is neutral and polar, with isoleucine, which is neutral and non-polar, at codon 551 of the SLC17A8 protein (p.Thr551Ile). This variant is present in population databases (no rsID available, gnomAD 0.01%). This variant has not been reported in the literature in individuals affected with SLC17A8-related conditions. Algorithms developed to predict the effect of missense changes on protein structure and function are either unavailable or do not agree on the potential impact of this missense change (SIFT: "Tolerated"; PolyPhen-2: "Probably Damaging"; Align-GVGD: "Class C25"). In summary, the available evidence is currently insufficient to determine the role of this variant in disease. Therefore, it has been classified as a Variant of Uncertain Significance.

NM_139319.3(SLC17A8):c.1652C>T (p.Thr551Ile)

Gene: SLC17A8 (solute carrier family 17 member 8; plus strand). Cytogenetic location: 12q23.1.
Variant type: single nucleotide variant.
Coding change: c.1652C>T on transcript NM_139319.3 (MANE Select); coding-DNA position 1652, C replaced by T.
Protein change: p.Thr551Ile; replaces threonine 551 with isoleucine.
Molecular consequence: missense variant.
Genome position (GRCh38, 1-based): chr12:100,420,041, C>T. VCF-style: chr12-100420041-C-T. GRCh37 (hg19) VCF-style: chr12-100813819-C-T.
Other names: c.1502C>T, p.Thr501Ile (NM_001145288.2); short protein forms T551I, T501I.
Identifiers: ClinVar variation 3001586 (VCV003001586.3), dbSNP rs1002293282, ClinGen allele CA242351038.